The following is an entry in ClinVar:

NM_152383.5(DIS3L2):c.1277T>G (p.Val426Gly)

Gene: DIS3L2 (DIS3 like 3'-5' exoribonuclease 2; plus strand). Cytogenetic location: 2q37.1.
Variant type: single nucleotide variant.
Coding change: c.1277T>G on transcript NM_152383.5 (MANE Select); coding-DNA position 1277, T replaced by G.
Protein change: p.Val426Gly; replaces valine 426 with glycine.
Molecular consequence: missense variant. On other transcripts: non-coding transcript variant (2).
Genome position (GRCh38, 1-based): chr2:232,238,605, T>G. VCF-style: chr2-232238605-T-G. GRCh37 (hg19) VCF-style: chr2-233103315-T-G.
Other names: c.1277T>G, p.Val426Gly (NM_001257281.2); short protein forms V426G.
Identifiers: ClinVar variation 463053 (VCV000463053.10), dbSNP rs1553539258, ClinGen allele CA351154712.

ClinVar aggregate classification (germline): Uncertain significance. Review status: criteria provided, multiple submitters, no conflicts (2 of 4 stars). 3 submissions from 3 submitters: Uncertain significance (3). Last evaluated 2025-06-24.

Conditions:
Inborn genetic diseases. Identifiers: MedGen C0950123, MeSH D030342.
Perlman syndrome (PRLMNS). Identifiers: Orphanet 2849, MedGen C0796113, MONDO:0009965, OMIM 267000.

Allele frequency attached by ClinVar (database versions not stated): gnomAD exomes below 0.00001; TOPMed below 0.00001; gnomAD 0.00001.
gnomAD v4.1: 6 of 1,614,120 alleles (0.00037%); highest among the groups gnomAD compares: African/African-American, 0.0027%; no homozygotes.

Submissions (3):

Ambry Genetics
Classification: Uncertain significance for Inborn genetic diseases. Last evaluated: 2025-06-24. Review status: criteria provided, single submitter. Criteria: Ambry Variant Classification Scheme 2023. Collection method: clinical testing. Allele origin: germline.

Labcorp Genetics (formerly Invitae), Labcorp
Classification: Uncertain significance for Perlman syndrome. Last evaluated: 2025-02-18. Review status: criteria provided, single submitter. Criteria: Invitae Variant Classification Sherloc (09022015). Collection method: clinical testing. Allele origin: germline.
Comment: This sequence change replaces valine, which is neutral and non-polar, with glycine, which is neutral and non-polar, at codon 426 of the DIS3L2 protein (p.Val426Gly). This variant is not present in population databases (gnomAD no frequency). This variant has not been reported in the literature in individuals affected with DIS3L2-related conditions. ClinVar contains an entry for this variant (Variation ID: 463053). Invitae Evidence Modeling of protein sequence and biophysical properties (such as structural, functional, and spatial information, amino acid conservation, physicochemical variation, residue mobility, and thermodynamic stability) indicates that this missense variant is not expected to disrupt DIS3L2 protein function with a negative predictive value of 80%. In summary, the available evidence is currently insufficient to determine the role of this variant in disease. Therefore, it has been classified as a Variant of Uncertain Significance.

Baylor Genetics
Classification: Uncertain significance for Perlman syndrome. Last evaluated: 2019-09-10. Review status: criteria provided, single submitter. Criteria: ACMG Guidelines, 2015. Collection method: clinical testing. Allele origin: unknown. Affected: yes. Study: CSER-TexasKidsCanSeq.
Comment: This variant was determined to be of uncertain significance according to ACMG Guidelines, 2015 [PMID:25741868].